The following is an entry in ClinVar:

NM_004186.5(SEMA3F):c.316C>T (p.Leu106Phe)

Gene: SEMA3F (semaphorin 3F; plus strand). Cytogenetic location: 3p21.31.
Variant type: single nucleotide variant.
Coding change: c.316C>T on transcript NM_004186.5 (MANE Select); coding-DNA position 316, C replaced by T.
Protein change: p.Leu106Phe; replaces leucine 106 with phenylalanine.
Molecular consequence: missense variant.
Genome position (GRCh38, 1-based): chr3:50,174,094, C>T. VCF-style: chr3-50174094-C-T. GRCh37 (hg19) VCF-style: chr3-50211527-C-T.
Other names: c.112C>T, p.Leu38Phe (NM_001318798.2); c.316C>T, p.Leu106Phe (NM_001318800.2); short protein forms L106F, L38F.
Identifiers: ClinVar variation 4977920 (VCV004977920.1).
Genomic context (GRCh38, chr3:50,174,094, plus strand): 5'-TGACCCCCCTCTCTGCAGATACACTGGGCAGCCTCCCCACAGCGCATCGAGGAATGCGTG[C>T]TCTCAGGCAAGGATGTCAACGTGAGTTTGGTGGGATCCACAGGTGGGAAGGGGGAATCCA-3'
Protein context (NP_004177.3, residues 96-116): ASPQRIEECV[Leu106Phe]SGKDVNGECG

ClinVar aggregate classification (germline): Uncertain significance (1 of 4 stars; one submission).

Conditions:
SEMA3F-related disorder. Also called: SEMA3F-related condition.

Submission:

PreventionGenetics, part of Exact Sciences
Classification: Uncertain significance for SEMA3F-related condition. Last evaluated: 2025-09-26. Review status: criteria provided, single submitter. Criteria: ACMG Guidelines, 2015. Collection method: clinical testing. Allele origin: germline.
Comment: The SEMA3F c.316C>T variant is predicted to result in the amino acid substitution p.Leu106Phe. To our knowledge, this variant has not been reported in the literature. This variant is reported in 0.070% of alleles in individuals of East Asian descent in gnomAD. Although we suspect that this variant may be benign, at this time, the clinical significance of this variant is uncertain due to the absence of conclusive functional and genetic evidence.